The following is an entry in ClinVar:

ClinVar aggregate classification (germline): Uncertain significance (1 of 4 stars; one submission).

Conditions:
TUBB3-related disorder. Also called: TUBB3-related condition; TUBB3-related disorders.

Submission:

Laboratorio de Biologia Molecular/Medicina Genomica - IFF/Fiocruz, Instituto Fernandes Figueira, Fundacao Oswaldo Cruz
Classification: Uncertain significance for TUBB3-related conditions. Last evaluated: 2025-09-02. Review status: criteria provided, single submitter. Criteria: ACMG Guidelines, 2015. Collection method: clinical testing. Allele origin: germline. Affected: yes. Observed: 1 variant allele.
Comment: Variant: c.817C>T (p.Leu273Phe) in exon 4 of the TUBB3 gene. Protein effect: Missense substitution at a highly conserved residue within a well-established functional region where pathogenic variants are frequently reported. In silico tools: Predict a deleterious impact. Population database (gnomAD): Absent. Residue evidence: Another missense change at the same residue has been reported as Likely Pathogenic (Accession: VCV001708291.2). ACMG/AMP criteria applied: PM1_Supporting, PM2_Supporting, PM5_Supporting, PP2, PP3

NM_006086.4(TUBB3):c.817C>T (p.Leu273Phe)

Gene: TUBB3 (tubulin beta 3 class III; plus strand). Cytogenetic location: 16q24.3.
Variant type: single nucleotide variant.
Coding change: c.817C>T on transcript NM_006086.4 (MANE Select); coding-DNA position 817, C replaced by T.
Protein change: p.Leu273Phe; replaces leucine 273 with phenylalanine.
Molecular consequence: missense variant.
Genome position (GRCh38, 1-based): chr16:89,935,268, C>T. VCF-style: chr16-89935268-C-T. GRCh37 (hg19) VCF-style: chr16-90001676-C-T.
Other names: c.601C>T, p.Leu201Phe (NM_001197181.2); short protein forms L201F, L273F.
Identifiers: ClinVar variation 4795177 (VCV004795177.1).